The following is an entry in ClinVar:

ClinVar aggregate classification (germline): Uncertain significance. Review status: criteria provided, multiple submitters, no conflicts (2 of 4 stars). 2 submissions from 2 submitters: Uncertain significance (2). Last evaluated 2025-02-03.

Submissions (2):

Women's Health and Genetics/Laboratory Corporation of America, LabCorp
Classification: Uncertain significance. Last evaluated: 2025-02-03. Review status: criteria provided, single submitter. Criteria: LabCorp Variant Classification Summary - May 2015. Collection method: clinical testing. Allele origin: germline.
Comment: Variant summary: SH3TC2 c.2831A>G (p.Glu944Gly) results in a non-conservative amino acid change in the encoded protein sequence. Five of five in-silico tools predict a damaging effect of the variant on protein function. The variant allele was found at a frequency of 4e-06 in 251378 control chromosomes. c.2831A>G has been reported in the literature in at least two compound heterozygous individuals affected with Charcot-Marie-Tooth disease type 4C (e.g., Lee_2019). These data indicate that the variant may be associated with disease. To our knowledge, no experimental evidence demonstrating an impact on protein function has been reported. The following publication has been ascertained in the context of this evaluation (PMID: 31227790). ClinVar contains an entry for this variant (Variation ID: 3337577). Based on the evidence outlined above, the variant was classified as VUS-possibly pathogenic.

Clinical Genetics Laboratory, Skane University Hospital Lund
Classification: Uncertain significance. Last evaluated: 2023-08-29. Review status: criteria provided, single submitter. Criteria: ACMG Guidelines, 2015. Collection method: clinical testing. Allele origin: germline. Affected: yes.

Literature cited by the submitters: PubMed 31227790 (cited by Women's Health and Genetics/Laboratory Corporation of America, LabCorp).

NM_024577.4(SH3TC2):c.2831A>G (p.Glu944Gly)

Gene: SH3TC2 (SH3 domain and tetratricopeptide repeats 2; minus strand). Cytogenetic location: 5q32.
Variant type: single nucleotide variant.
Coding change: c.2831A>G on transcript NM_024577.4 (MANE Select); coding-DNA position 2831, A replaced by G.
Protein change: p.Glu944Gly; replaces glutamic acid 944 with glycine.
Molecular consequence: missense variant.
Genome position (GRCh38, 1-based): chr5:149,026,901, T>C on the plus strand (A>G on the coding strand, the complement: SH3TC2 is on the minus strand). VCF-style: chr5-149026901-T-C. GRCh37 (hg19) VCF-style: chr5-148406464-T-C.
Other names: short protein forms E944G.
Identifiers: ClinVar variation 3337577 (VCV003337577.2).
Genomic context (GRCh38, chr5:149,026,901, plus strand): 5'-CAGCATGGGACATACTTACTCTTTAGATGTCGATGCCTTAAGCCAAACAGCAATGCCATT[T>C]CATAACAAAGAAGGCCATGGGTCAGCTGGTGTCCAGACACCAGAACTTGGGCCAACCAGA-3'
Protein context (NP_078853.2, residues 934-954): HQLTHGLLCY[Glu944Gly]MALLFGLRHR